The following is an entry in ClinVar:

ClinVar aggregate classification (germline): Benign/Likely benign. Review status: criteria provided, multiple submitters, no conflicts (2 of 4 stars). 9 submissions from 9 submitters: Benign (7); Likely benign (1). 1 of the submissions does not count toward it. Last evaluated 2026-02-04.

Conditions:
MHC class II deficiency. Also called: Bare lymphocyte syndrome 2; BLS, TYPE II. Identifiers: Orphanet 572, MedGen C5447452, MONDO:0008855.

Allele frequency attached by ClinVar (database versions not stated): ESP Exome Variant Server 0.91989; TOPMed 0.92455; 1000 Genomes Project 30x 0.92458; 1000 Genomes Project 0.92871; gnomAD 0.92908 and 0.93380; ExAC 0.97872; gnomAD exomes 0.98292 and 0.99366.
gnomAD v4.1: 1,594,406 of 1,614,164 alleles (99%); highest among the groups gnomAD compares: East Asian, 100%; 789,429 homozygotes.

Submissions (9):

Labcorp Genetics (formerly Invitae), Labcorp
Classification: Benign for MHC class II deficiency. Last evaluated: 2026-02-04. Review status: criteria provided, single submitter. Criteria: Invitae Variant Classification Sherloc (09022015). Collection method: clinical testing. Allele origin: germline.

Women's Health and Genetics/Laboratory Corporation of America, LabCorp
Classification: Benign. Last evaluated: 2026-01-21. Review status: criteria provided, single submitter. Criteria: LabCorp Variant Classification Summary - May 2015. Collection method: clinical testing. Allele origin: germline.

Blueprint Genetics
Classification: Likely benign. Last evaluated: 2024-11-27. Review status: criteria provided, single submitter. Criteria: ACMG Guidelines, 2015. Collection method: clinical testing. Allele origin: germline.

Genome-Nilou Lab
Classification: Benign for MHC class II deficiency 1. Last evaluated: 2021-07-10. Review status: criteria provided, single submitter. Criteria: ACMG Guidelines, 2015. Collection method: clinical testing. Allele origin: germline. Affected: no.

Mayo Clinic Laboratories, Mayo Clinic
Classification: Benign. Last evaluated: 2018-03-21. Review status: criteria provided, single submitter. Criteria: ACMG Guidelines, 2015. Collection method: clinical testing. Allele origin: germline. Observed: 106 variant alleles.

Illumina Laboratory Services, Illumina
Classification: Benign for MHC class II deficiency 1. Last evaluated: 2018-01-12. Review status: criteria provided, single submitter. Criteria: ICSL Variant Classification Criteria 13 December 2019. Collection method: clinical testing. Allele origin: germline.
Comment: This variant was observed in the ICSL laboratory as part of a predisposition screen in an ostensibly healthy population. It had not been previously curated by ICSL or reported in the Human Gene Mutation Database (HGMD: prior to June 1st, 2018), and was therefore a candidate for classification through an automated scoring system. Utilizing variant allele frequency, disease prevalence and penetrance estimates, and inheritance mode, an automated score was calculated to assess if this variant is too frequent to cause the disease. Based on the score and internal cut-off values, a variant classified as benign is not then subjected to further curation. The score for this variant resulted in a classification of benign for this disease.

Laboratory for Molecular Medicine, Mass General Brigham Personalized Medicine
Classification: Benign. Last evaluated: 2016-03-28. Review status: criteria provided, single submitter. Criteria: LMM Criteria. Collection method: clinical testing. Allele origin: germline.
Comment: Variant identified in a genome or exome case(s) and assessed due to predicted null impact of the variant or pathogenic assertions in the literature or databases. Disclaimer: This variant has not undergone full assessment. The following are preliminary notes: Frequency

Breakthrough Genomics
Classification: Benign. Review status: criteria provided, single submitter. Criteria: ACMG Guidelines, 2015. Collection method: not provided. Allele origin: germline. Inheritance: Autosomal recessive inheritance. Affected: yes.

Natera, Inc.
Classification: Benign for Bare lymphocyte syndrome type II. Last evaluated: 2020-09-16. Review status: no assertion criteria provided. Collection method: clinical testing. Allele origin: germline. Not counted in ClinVar's aggregate classification.

NM_000246.4(CIITA):c.2699A>G (p.Gln900Arg)

Gene: CIITA (class II major histocompatibility complex transactivator; plus strand). Cytogenetic location: 16p13.13.
Variant type: single nucleotide variant.
Coding change: c.2699A>G on transcript NM_000246.4 (MANE Select); coding-DNA position 2699, A replaced by G.
Protein change: p.Gln900Arg; replaces glutamine 900 with arginine.
Molecular consequence: missense variant.
Genome position (GRCh38, 1-based): chr16:10,909,070, A>G. VCF-style: chr16-10909070-A-G. GRCh37 (hg19) VCF-style: chr16-11002927-A-G.
Other names: p.Gln900Arg; c.2702A>G, p.Gln901Arg (NM_001286402.1, NM_001379332.1); c.947A>G, p.Gln316Arg (NM_001286403.2); c.2555A>G, p.Gln852Arg (NM_001379330.1); c.2552A>G, p.Gln851Arg (NM_001379331.1); c.2699A>G, p.Gln900Arg (NM_001379333.1); c.2630A>G, p.Gln877Arg (NM_001379334.1); short protein forms Q900R, Q316R, Q901R, Q851R, Q852R, Q877R.
Identifiers: ClinVar variation 317718 (VCV000317718.25), dbSNP rs7197779, ClinGen allele CA7900475.